The following is an entry in ClinVar:

NM_003458.4(BSN):c.10762del (p.Arg3588fs)

Gene: BSN (bassoon presynaptic cytomatrix protein; plus strand). Cytogenetic location: 3p21.31.
Variant type: Deletion.
Coding change: c.10762del on transcript NM_003458.4 (MANE Select); coding-DNA position 10762, one base deleted (C; older notation c.10762delC).
Protein change: p.Arg3588fs; shifts the reading frame from arginine 3588.
Molecular consequence: frameshift variant.
Genome position (GRCh38, 1-based): chr3:49,662,920, C deleted; the last of 4 consecutive C bases (chr3:49,662,917-49,662,920); deleting any one gives the same sequence. VCF-style (leftmost placement, unchanged base first): chr3-49662916-GC-G. GRCh37 (hg19) VCF-style: chr3-49700349-GC-G.
Other names: short protein forms R3588fs.
Identifiers: ClinVar variation 3377074 (VCV003377074.1).

ClinVar aggregate classification (germline): Uncertain significance (1 of 4 stars; one submission).

Conditions:
Epilepsy. Also called: Seizure disorder. Identifiers: MedGen C0014544, MeSH D004827, MONDO:0005027.

Submission:

Victorian Clinical Genetics Services, Murdoch Childrens Research Institute
Classification: Uncertain significance for Epilepsy. Last evaluated: 2024-10-09. Review status: criteria provided, single submitter. Criteria: ACMG Guidelines, 2015. Collection method: clinical testing. Allele origin: germline. Inheritance: Autosomal dominant inheritance. Affected: yes.
Comment: Based on the classification scheme VCGS_Germline_v1.3.5, this variant is classified as VUS-3A. Following criteria are met: 0102 - Loss of function is a likely mechanism of disease in this gene and is associated with epilepsy (MONDO:0005027), BSN-related. (I) 0108 - This gene is associated with both recessive and dominant disease. Biallelic missense and inframe deletion variants have been reported to cause recessive disease, while monoallelic loss of function and missense variants have been reported in dominant disease (PMID: 36600631). (I) 0201 - Variant is predicted to cause nonsense-mediated decay (NMD) and loss of protein (premature termination codon is located at least 54 nucleotides upstream of the final exon-exon junction). (SP) 0251 - This variant is heterozygous. (I) 0301 - Variant is absent from gnomAD (v2, v3 and v4). (SP) 0708 - Other NMD-predicted variants comparable to the one identified in this case have conflicting previous evidence for pathogenicity. ClinVar contains VUS entries for two comparable NMD-predicted variants. Other NMD-predicted variants have also been reported in de novo individuals with epilepsy and febrile seizures (PMID: 36600631; VCGS internal database). (I) 0807 - This variant has no previous evidence of pathogenicity. (I) 0905 - No published segregation evidence has been identified for this variant. (I) 1007 - No published functional evidence has been identified for this variant. (I) Legend: (SP) - Supporting pathogenic, (I) - Information, (SB) - Supporting benign

Literature cited by the submitters: PubMed 36600631.